The following is an entry in ClinVar:

ClinVar aggregate classification (germline): Uncertain significance (1 of 4 stars; one submission).

Conditions:
Familial thoracic aortic aneurysm and aortic dissection (TAAD). Also called: Thoracic aortic aneurysms and dissections. Identifiers: Orphanet 91387, MedGen C4707243, MONDO:0019625.

Allele frequency attached by ClinVar (database versions not stated): gnomAD exomes below 0.00001.
gnomAD v4.1: 1 of 1,614,172 alleles (0.000062%); highest among the groups gnomAD compares: Non-Finnish European, 0.000085%; no homozygotes.

Submission:

Labcorp Genetics (formerly Invitae), Labcorp
Classification: Uncertain significance for Familial thoracic aortic aneurysm and aortic dissection. Last evaluated: 2023-11-29. Review status: criteria provided, single submitter. Criteria: Invitae Variant Classification Sherloc (09022015). Collection method: clinical testing. Allele origin: germline.
Comment: This sequence change falls in intron 8 of the SMAD3 gene. It does not directly change the encoded amino acid sequence of the SMAD3 protein. It affects a nucleotide within the consensus splice site. This variant is not present in population databases (gnomAD no frequency). This variant has not been reported in the literature in individuals affected with SMAD3-related conditions. Variants that disrupt the consensus splice site are a relatively common cause of aberrant splicing (PMID: 17576681, 9536098). Algorithms developed to predict the effect of sequence changes on RNA splicing suggest that this variant is not likely to affect RNA splicing. In summary, the available evidence is currently insufficient to determine the role of this variant in disease. Therefore, it has been classified as a Variant of Uncertain Significance.

Literature cited by the submitters: PubMed 17576681; PubMed 9536098.

NM_005902.4(SMAD3):c.1154+3C>T

Gene: SMAD3 (SMAD family member 3; plus strand). Cytogenetic location: 15q22.33.
Variant type: single nucleotide variant.
Coding change: c.1154+3C>T on transcript NM_005902.4 (MANE Select); 3 bases into the intron after coding-DNA position 1154, C replaced by T.
Molecular consequence: intron variant.
Genome position (GRCh38, 1-based): chr15:67,187,512, C>T. VCF-style: chr15-67187512-C-T. GRCh37 (hg19) VCF-style: chr15-67479850-C-T.
Other names: c.1265+3C>T (NM_001407011.1); c.1016+3C>T (NM_001407013.1); c.1022+3C>T (NM_001407012.1, NM_001145103.2); c.1007+3C>T (NM_001407014.1); c.839+3C>T (NM_001145102.2, NM_001407016.1); c.707+3C>T (NM_001407015.1); c.569+3C>T (NM_001145104.2, NM_001407017.1).
Identifiers: ClinVar variation 2809135 (VCV002809135.3), dbSNP rs2505311347, ClinGen allele CA2629121420.